The following is an entry in ClinVar:

NM_173630.4(RTTN):c.1838G>A (p.Gly613Glu)

Gene: RTTN (rotatin; minus strand). Cytogenetic location: 18q22.2.
Variant type: single nucleotide variant.
Coding change: c.1838G>A on transcript NM_173630.4 (MANE Select); coding-DNA position 1838, G replaced by A.
Protein change: p.Gly613Glu; replaces glycine 613 with glutamic acid.
Molecular consequence: missense variant. On other transcripts: 5 prime UTR variant (1).
Genome position (GRCh38, 1-based): chr18:70,166,153, C>T on the plus strand (G>A on the coding strand, the complement: RTTN is on the minus strand). VCF-style: chr18-70166153-C-T. GRCh37 (hg19) VCF-style: chr18-67833389-C-T.
Other names: c.-810G>A (NM_001318520.2); short protein forms G613E.
Identifiers: ClinVar variation 2416158 (VCV002416158.4), dbSNP rs749520981, ClinGen allele CA8996068.

ClinVar aggregate classification (germline): Uncertain significance (1 of 4 stars; one submission).

Allele frequency attached by ClinVar (database versions not stated): gnomAD 0.00007.
gnomAD v4.1: 20 of 1,613,500 alleles (0.0012%); highest among the groups gnomAD compares: Admixed American, 0.027%; no homozygotes.

Submission:

Labcorp Genetics (formerly Invitae), Labcorp
Classification: Uncertain significance. Last evaluated: 2024-01-24. Review status: criteria provided, single submitter. Criteria: Invitae Variant Classification Sherloc (09022015). Collection method: clinical testing. Allele origin: germline.
Comment: This sequence change replaces glycine, which is neutral and non-polar, with glutamic acid, which is acidic and polar, at codon 613 of the RTTN protein (p.Gly613Glu). This variant is present in population databases (rs749520981, gnomAD 0.01%). This variant has not been reported in the literature in individuals affected with RTTN-related conditions. ClinVar contains an entry for this variant (Variation ID: 2416158). Advanced modeling of protein sequence and biophysical properties (such as structural, functional, and spatial information, amino acid conservation, physicochemical variation, residue mobility, and thermodynamic stability) performed at Invitae indicates that this missense variant is not expected to disrupt RTTN protein function with a negative predictive value of 80%. In summary, the available evidence is currently insufficient to determine the role of this variant in disease. Therefore, it has been classified as a Variant of Uncertain Significance.